The following is an entry in ClinVar:

ClinVar aggregate classification (germline): Uncertain significance (1 of 4 stars; one submission).

Conditions:
Hereditary cancer-predisposing syndrome. Also called: Hereditary neoplastic syndrome; Neoplastic Syndromes, Hereditary; Tumor predisposition; Hereditary Cancer Syndrome. Identifiers: Orphanet 140162, MedGen C0027672, MeSH D009386, MONDO:0015356.

Submission:

Ambry Genetics
Classification: Uncertain significance for Hereditary cancer-predisposing syndrome. Last evaluated: 2025-08-27. Review status: criteria provided, single submitter. Criteria: Ambry Variant Classification Scheme 2023. Collection method: clinical testing. Allele origin: germline.
Comment: The p.S255R variant (also known as c.765C>A), located in coding exon 9 of the MUTYH gene, results from a C to A substitution at nucleotide position 765. The serine at codon 255 is replaced by arginine, an amino acid with dissimilar properties. This amino acid position is conserved. In addition, this alteration is predicted to be tolerated by in silico analysis. Based on the available evidence, the clinical significance of this variant remains unclear.

NM_001048174.2(MUTYH):c.681C>A (p.Ser227Arg)

Gene: MUTYH (mutY DNA glycosylase; minus strand). Cytogenetic location: 1p34.1.
Variant type: single nucleotide variant.
Coding change: c.681C>A on transcript NM_001048174.2 (MANE Select); coding-DNA position 681, C replaced by A.
Protein change: p.Ser227Arg; replaces serine 227 with arginine.
Molecular consequence: missense variant. On other transcripts: non-coding transcript variant (7).
Genome position (GRCh38, 1-based): chr1:45,332,414, G>T on the plus strand (C>A on the coding strand, the complement: MUTYH is on the minus strand). VCF-style: chr1-45332414-G-T. GRCh37 (hg19) VCF-style: chr1-45798086-G-T.
Other names: c.681C>A, p.Ser227Arg (NM_001407081.1, NM_001407088.1, NM_001407089.1 and 6 more transcripts); c.336C>A, p.Ser112Arg (NM_001407082.1, NM_001350650.2, NM_001350651.2); c.723C>A, p.Ser241Arg (NM_001407083.1, NM_001407085.1); c.684C>A, p.Ser228Arg (NM_001407086.1, NM_001048172.2, NM_001407071.1 and 1 more transcripts); c.702C>A, p.Ser234Arg (NM_001407087.1); c.405C>A, p.Ser135Arg (NM_001407091.1, NM_001293192.2, NM_001293196.2); c.765C>A, p.Ser255Arg (NM_001128425.2); c.726C>A, p.Ser242Arg (NM_001293190.2); and 5 more; short protein forms S112R, S238R, S135R, S242R, S213R, S214R, S228R, S252R.
Identifiers: ClinVar variation 4113818 (VCV004113818.1).